The following is an entry in ClinVar:

NM_005184.4(CALM3):c.46G>A (p.Ala16Thr)

Gene: CALM3 (calmodulin 3; plus strand). Cytogenetic location: 19q13.32.
Variant type: single nucleotide variant.
Coding change: c.46G>A on transcript NM_005184.4 (MANE Select); coding-DNA position 46, G replaced by A.
Protein change: p.Ala16Thr; replaces alanine 16 with threonine.
Molecular consequence: missense variant. On other transcripts: 5 prime UTR variant (5).
Genome position (GRCh38, 1-based): chr19:46,608,208, G>A. VCF-style: chr19-46608208-G-A. GRCh37 (hg19) VCF-style: chr19-47111465-G-A.
Other names: c.-63G>A (NM_001329921.1, NM_001329923.1, NM_001329924.2 and 2 more transcripts); c.46G>A, p.Ala16Thr (NM_001329922.1); short protein forms A16T.
Identifiers: ClinVar variation 5017444 (VCV005017444.1).

ClinVar aggregate classification (germline): Uncertain significance (1 of 4 stars; one submission).

Submission:

GeneDx
Classification: Uncertain significance. Last evaluated: 2026-03-26. Review status: criteria provided, single submitter. Criteria: GeneDx Variant Classification Process June 2021. Collection method: clinical testing. Allele origin: germline.
Comment: Not observed at significant frequency in large population cohorts (gnomAD); In silico analysis suggests that this missense variant does not alter protein structure/function; Has not been previously published as pathogenic or benign to our knowledge